The following is an entry in ClinVar:

NM_006129.5(BMP1):c.1816G>A (p.Gly606Ser)

Gene: BMP1 (bone morphogenetic protein 1; plus strand). Cytogenetic location: 8p21.3.
Variant type: single nucleotide variant.
Coding change: c.1816G>A on transcript NM_006129.5 (MANE Select); coding-DNA position 1816, G replaced by A.
Protein change: p.Gly606Ser; replaces glycine 606 with serine.
Molecular consequence: missense variant. On other transcripts: non-coding transcript variant (2).
Genome position (GRCh38, 1-based): chr8:22,196,730, G>A. VCF-style: chr8-22196730-G-A. GRCh37 (hg19) VCF-style: chr8-22054243-G-A.
Other names: c.1816G>A, p.Gly606Ser (NM_001199.4); short protein forms G606S.
Identifiers: ClinVar variation 1347595 (VCV001347595.5), dbSNP rs1282975443, ClinGen allele CA370498057.
Genomic context (GRCh38, chr8:22,196,730, plus strand): 5'-GTCCCCGCAGCTGCTTGTGGCGGATTCCTCACCAAGCTCAACGGCTCCATCACCAGCCCG[G>A]GCTGGCCCAAGGAGTACCCCCCCAACAAGAACTGCATCTGGCAGCTGGTGGCCCCCACCC-3'
Protein context (NP_006120.1, residues 596-616): TKLNGSITSP[Gly606Ser]WPKEYPPNKN

ClinVar aggregate classification (germline): Uncertain significance (1 of 4 stars; one submission).

Allele frequency attached by ClinVar (database versions not stated): gnomAD exomes below 0.00001 and 0.00001; TOPMed below 0.00001.
gnomAD v4.1: 6 of 1,614,102 alleles (0.00037%); highest among the groups gnomAD compares: Non-Finnish European, 0.00051%; no homozygotes.

Submission:

Labcorp Genetics (formerly Invitae), Labcorp
Classification: Uncertain significance. Last evaluated: 2022-03-02. Review status: criteria provided, single submitter. Criteria: Invitae Variant Classification Sherloc (09022015). Collection method: clinical testing. Allele origin: germline.
Comment: This sequence change replaces glycine, which is neutral and non-polar, with serine, which is neutral and polar, at codon 606 of the BMP1 protein (p.Gly606Ser). This variant is present in population databases (no rsID available, gnomAD 0.0009%). This variant has not been reported in the literature in individuals affected with BMP1-related conditions. Algorithms developed to predict the effect of missense changes on protein structure and function are either unavailable or do not agree on the potential impact of this missense change (SIFT: "Deleterious"; PolyPhen-2: "Benign"; Align-GVGD: "Class C55"). In summary, the available evidence is currently insufficient to determine the role of this variant in disease. Therefore, it has been classified as a Variant of Uncertain Significance.